The following is an entry in ClinVar:

ClinVar aggregate classification (germline): Uncertain significance (1 of 4 stars; one submission).

Allele frequency attached by ClinVar (database versions not stated): gnomAD 0.00001; TOPMed 0.00001.
gnomAD v4.1: 7 of 1,608,920 alleles (0.00044%); highest among the groups gnomAD compares: Non-Finnish European, 0.00059%; no homozygotes.

Submission:

GeneDx
Classification: Uncertain significance. Last evaluated: 2022-11-15. Review status: criteria provided, single submitter. Criteria: GeneDx Variant Classification Process June 2021. Collection method: clinical testing. Allele origin: germline. Affected: yes.
Comment: Not observed at significant frequency in large population cohorts (gnomAD); In silico analysis supports that this missense variant does not alter protein structure/function; Has not been previously published as pathogenic or benign to our knowledge

NM_001080453.3(INTS1):c.4058C>T (p.Ala1353Val)

Gene: INTS1 (integrator complex subunit 1; minus strand). Cytogenetic location: 7p22.3.
Variant type: single nucleotide variant.
Coding change: c.4058C>T on transcript NM_001080453.3 (MANE Select); coding-DNA position 4058, C replaced by T.
Protein change: p.Ala1353Val; replaces alanine 1353 with valine.
Molecular consequence: missense variant.
Genome position (GRCh38, 1-based): chr7:1,480,333, G>A on the plus strand (C>T on the coding strand, the complement: INTS1 is on the minus strand). VCF-style: chr7-1480333-G-A. GRCh37 (hg19) VCF-style: chr7-1519969-G-A.
Other names: c.575C>T, p.Ala192Val (NM_015674.1); short protein forms A1353V, A192V.
Identifiers: ClinVar variation 2502121 (VCV002502121.1), dbSNP rs1479129485, ClinGen allele CA366587242.